The following is an entry in ClinVar:

ClinVar aggregate classification (germline): Conflicting classifications of pathogenicity. Review status: criteria provided, conflicting classifications (1 of 4 stars). 5 submissions from 5 submitters: Uncertain significance (1); Benign (2); Likely benign (2). Last evaluated 2025-12-05.

Conditions:
Primary familial polycythemia due to EPO receptor mutation. Also called: ERYTHROCYTOSIS, SOMATIC; POLYCYTHEMIA, PRIMARY FAMILIAL AND CONGENITAL; Primary Familial Congenital Polycythemia; Erythrocytosis, familial, 1. Identifiers: Orphanet 90042, MedGen C4551637, MONDO:0007572, OMIM 133100.

Allele frequency attached by ClinVar (database versions not stated): ExAC 0.00005; gnomAD exomes 0.00022; 1000 Genomes Project 0.00040; 1000 Genomes Project 30x 0.00047; TOPMed 0.00055; gnomAD 0.00068 and 0.00071.
gnomAD v4.1: 236 of 1,613,336 alleles (0.015%); highest among the groups gnomAD compares: Middle Eastern, 0.38%; 3 homozygotes.

Submissions (5):

Labcorp Genetics (formerly Invitae), Labcorp
Classification: Likely benign. Last evaluated: 2025-12-05. Review status: criteria provided, single submitter. Criteria: Invitae Variant Classification Sherloc (09022015). Collection method: clinical testing. Allele origin: germline.

Mayo Clinic Laboratories, Mayo Clinic
Classification: Uncertain significance. Last evaluated: 2025-09-16. Review status: criteria provided, single submitter. Criteria: ACMG Guidelines, 2015. Collection method: clinical testing. Allele origin: germline. Observed: 1 variant allele.
Comment: BP4_moderate

Genomic Medicine Center of Excellence, King Faisal Specialist Hospital and Research Centre
Classification: Likely benign. Last evaluated: 2025-08-18. Review status: criteria provided, single submitter. Criteria: ACMG Guidelines, 2015. Collection method: clinical testing. Allele origin: germline.

Illumina Laboratory Services, Illumina
Classification: Benign for Primary familial polycythemia due to EPO receptor mutation. Last evaluated: 2018-01-13. Review status: criteria provided, single submitter. Criteria: ICSL Variant Classification Criteria 13 December 2019. Collection method: clinical testing. Allele origin: germline.
Comment: This variant was observed in the ICSL laboratory as part of a predisposition screen in an ostensibly healthy population. It had not been previously curated by ICSL or reported in the Human Gene Mutation Database (HGMD: prior to June 1st, 2018), and was therefore a candidate for classification through an automated scoring system. Utilizing variant allele frequency, disease prevalence and penetrance estimates, and inheritance mode, an automated score was calculated to assess if this variant is too frequent to cause the disease. Based on the score and internal cut-off values, a variant classified as benign is not then subjected to further curation. The score for this variant resulted in a classification of benign for this disease.

Breakthrough Genomics
Classification: Benign. Review status: criteria provided, single submitter. Criteria: ACMG Guidelines, 2015. Collection method: not provided. Allele origin: germline. Inheritance: Autosomal dominant inheritance. Affected: yes.

NM_000121.4(EPOR):c.1139C>T (p.Pro380Leu)

Gene: EPOR (erythropoietin receptor; minus strand). Cytogenetic location: 19p13.2.
Variant type: single nucleotide variant.
Coding change: c.1139C>T on transcript NM_000121.4 (MANE Select); coding-DNA position 1139, C replaced by T.
Protein change: p.Pro380Leu; replaces proline 380 with leucine.
Molecular consequence: missense variant. On other transcripts: non-coding transcript variant (1).
Genome position (GRCh38, 1-based): chr19:11,378,372, G>A on the plus strand (C>T on the coding strand, the complement: EPOR is on the minus strand). VCF-style: chr19-11378372-G-A. GRCh37 (hg19) VCF-style: chr19-11489048-G-A.
Other names: p.Pro380Leu; short protein forms P380L.
Identifiers: ClinVar variation 328142 (VCV000328142.9), dbSNP rs199645071, ClinGen allele CA9210558.
Genomic context (GRCh38, chr19:11,378,372, plus strand): 5'-CCTTCATCCATGGCCACTATGTCCACACTGCCACCAGGCCCTGGGAGGTCCTCACTGGGC[G>A]GGTTCCGGGGCAGCAACCATTTGTCCAGCACCAGATAGGTATCCTGGGCATGCTCACTGC-3'
Protein context (NP_000112.1, residues 370-390): VLDKWLLPRN[Pro380Leu]PSEDLPGPGG